The following is an entry in ClinVar:

NM_007327.4(GRIN1):c.1964T>A (p.Leu655Gln)

Gene: GRIN1 (glutamate ionotropic receptor NMDA type subunit 1; plus strand). Cytogenetic location: 9q34.3.
Variant type: single nucleotide variant.
Coding change: c.1964T>A on transcript NM_007327.4 (MANE Select); coding-DNA position 1964, T replaced by A.
Protein change: p.Leu655Gln; replaces leucine 655 with glutamine.
Molecular consequence: missense variant.
Genome position (GRCh38, 1-based): chr9:137,162,690, T>A. VCF-style: chr9-137162690-T-A. GRCh37 (hg19) VCF-style: chr9-140057142-T-A.
Other names: c.1964T>A, p.Leu655Gln (NM_000832.7, NM_021569.4); c.2027T>A, p.Leu676Gln (NM_001185090.2, NM_001185091.2); short protein forms L655Q, L676Q.
Identifiers: ClinVar variation 561020 (VCV000561020.2), dbSNP rs1564363923, ClinGen allele CA375721097.

ClinVar aggregate classification (germline): Uncertain significance (1 of 4 stars; one submission).

Conditions:
Neurodevelopmental disorder with or without hyperkinetic movements and seizures, autosomal dominant. Also called: Intellectual disability, autosomal dominant 8. Identifiers: MedGen C3280282, MONDO:0013655, OMIM 614254.

Submission:

Baylor Genetics
Classification: Uncertain significance for Neurodevelopmental disorder with or without hyperkinetic movements and seizures, autosomal dominant. Last evaluated: 2017-09-01. Review status: criteria provided, single submitter. Criteria: ACMG Guidelines, 2015. Collection method: clinical testing. Allele origin: de novo. Inheritance: Autosomal dominant inheritance. Affected: yes.

Literature cited by the submitters: PubMed 25326635.